The following is an entry in ClinVar:

ClinVar aggregate classification (germline): Pathogenic (1 of 4 stars; one submission).

Conditions:
Cohen syndrome (COH1). Also called: PEPPER SYNDROME; Cutis verticis gyrata, retinitis pigmentosa, and sensorineural deafness. Identifiers: Orphanet 193, MedGen C0265223, MONDO:0008999, OMIM 216550.

Submission:

Labcorp Genetics (formerly Invitae), Labcorp
Classification: Pathogenic for Cohen syndrome. Last evaluated: 2022-09-27. Review status: criteria provided, single submitter. Criteria: Invitae Variant Classification Sherloc (09022015). Collection method: clinical testing. Allele origin: germline.
Comment: This variant has not been reported in the literature in individuals affected with VPS13B-related conditions. For these reasons, this variant has been classified as Pathogenic. This sequence change creates a premature translational stop signal (p.Ser3831Phefs*12) in the VPS13B gene. It is expected to result in an absent or disrupted protein product. Loss-of-function variants in VPS13B are known to be pathogenic (PMID: 15141358, 16648375, 20461111). This variant is not present in population databases (gnomAD no frequency).

Literature cited by the submitters: PubMed 15141358; PubMed 16648375; PubMed 20461111.

NM_152564.5(VPS13B):c.11416dup (p.Ser3806fs)

Gene: VPS13B (vacuolar protein sorting 13 homolog B; plus strand). Cytogenetic location: 8q22.2.
Variant type: Duplication.
Coding change: c.11416dup on transcript NM_152564.5 (MANE Select); coding-DNA position 11416, one base duplicated (T; older notation c.11416dupT).
Protein change: p.Ser3806fs; shifts the reading frame from serine 3806.
Molecular consequence: frameshift variant.
Genome position (GRCh38, 1-based): chr8:99,870,808, T duplicated; the last of 3 consecutive T bases (chr8:99,870,806-99,870,808); duplicating any one gives the same sequence. VCF-style (leftmost placement, unchanged base first): chr8-99870805-C-CT. GRCh37 (hg19) VCF-style: chr8-100883033-C-CT.
Other names: c.11491dup, p.Ser3831fs (NM_017890.5); short protein forms S3806fs, S3831fs.
Identifiers: ClinVar variation 2031179 (VCV002031179.4), dbSNP rs2492368181, ClinGen allele CA2580079249.